The following is an entry in ClinVar:

ClinVar aggregate classification (germline): Uncertain significance. Review status: criteria provided, multiple submitters, no conflicts (2 of 4 stars). 2 submissions from 2 submitters: Uncertain significance (2). Last evaluated 2024-05-06.

Conditions:
Heterotaxy, visceral, 4, autosomal (HTX4). Identifiers: Orphanet 450, MedGen C3151057, MONDO:0013403, OMIM 613751.

Allele frequency attached by ClinVar (database versions not stated): gnomAD 0.00001; gnomAD exomes 0.00001; TOPMed 0.00001; ExAC 0.00002.
gnomAD v4.1: 16 of 1,613,880 alleles (0.00099%); highest among the groups gnomAD compares: African/African-American, 0.0053%; no homozygotes.

Submissions (2):

Labcorp Genetics (formerly Invitae), Labcorp
Classification: Uncertain significance for Heterotaxy, visceral, 4, autosomal. Last evaluated: 2024-05-06. Review status: criteria provided, single submitter. Criteria: Invitae Variant Classification Sherloc (09022015). Collection method: clinical testing. Allele origin: germline.
Comment: This sequence change replaces proline, which is neutral and non-polar, with leucine, which is neutral and non-polar, at codon 122 of the ACVR2B protein (p.Pro122Leu). This variant is present in population databases (rs760979000, gnomAD 0.006%). This variant has not been reported in the literature in individuals affected with ACVR2B-related conditions. ClinVar contains an entry for this variant (Variation ID: 2513360). Advanced modeling of protein sequence and biophysical properties (such as structural, functional, and spatial information, amino acid conservation, physicochemical variation, residue mobility, and thermodynamic stability) performed at Invitae indicates that this missense variant is not expected to disrupt ACVR2B protein function with a negative predictive value of 95%. In summary, the available evidence is currently insufficient to determine the role of this variant in disease. Therefore, it has been classified as a Variant of Uncertain Significance.

Ambry Genetics
Classification: Uncertain significance. Last evaluated: 2023-04-20. Review status: criteria provided, single submitter. Criteria: Ambry Variant Classification Scheme 2023. Collection method: clinical testing. Allele origin: germline.

NM_001106.4(ACVR2B):c.365C>T (p.Pro122Leu)

Gene: ACVR2B (activin A receptor type 2B; plus strand). Cytogenetic location: 3p22.2.
Variant type: single nucleotide variant.
Coding change: c.365C>T on transcript NM_001106.4 (MANE Select); coding-DNA position 365, C replaced by T.
Protein change: p.Pro122Leu; replaces proline 122 with leucine.
Molecular consequence: missense variant.
Genome position (GRCh38, 1-based): chr3:38,477,965, C>T. VCF-style: chr3-38477965-C-T. GRCh37 (hg19) VCF-style: chr3-38519456-C-T.
Other names: short protein forms P122L.
Identifiers: ClinVar variation 2513360 (VCV002513360.4), dbSNP rs760979000, ClinGen allele CA2318773.